The following is an entry in ClinVar:

NM_013275.6(ANKRD11):c.2466G>C (p.Gln822His)

Gene: ANKRD11 (ankyrin repeat domain 11; minus strand). Cytogenetic location: 16q24.3.
Variant type: single nucleotide variant.
Coding change: c.2466G>C on transcript NM_013275.6 (MANE Select); coding-DNA position 2466, G replaced by C.
Protein change: p.Gln822His; replaces glutamine 822 with histidine.
Molecular consequence: missense variant.
Genome position (GRCh38, 1-based): chr16:89,284,076, C>G on the plus strand (G>C on the coding strand, the complement: ANKRD11 is on the minus strand). VCF-style: chr16-89284076-C-G. GRCh37 (hg19) VCF-style: chr16-89350484-C-G.
Other names: c.2466G>C, p.Gln822His (NM_001256182.2, NM_001256183.2); short protein forms Q822H.
Identifiers: ClinVar variation 3019934 (VCV003019934.3), dbSNP rs562106468, ClinGen allele CA8242572.

ClinVar aggregate classification (germline): Uncertain significance (1 of 4 stars; one submission).

Conditions:
KBG syndrome (KBGS). Also called: ANKRD11-Related KBG Syndrome. Identifiers: Orphanet 2332, MedGen C0220687, MONDO:0007846, OMIM 148050.

Allele frequency attached by ClinVar (database versions not stated): gnomAD 0.00001; ExAC 0.00003; 1000 Genomes Project 0.00020; 1000 Genomes Project 30x 0.00031.
gnomAD v4.1: 12 of 1,614,106 alleles (0.00074%); highest among the groups gnomAD compares: South Asian, 0.013%; no homozygotes.

Submission:

Labcorp Genetics (formerly Invitae), Labcorp
Classification: Uncertain significance for KBG syndrome. Last evaluated: 2023-01-21. Review status: criteria provided, single submitter. Criteria: Invitae Variant Classification Sherloc (09022015). Collection method: clinical testing. Allele origin: germline.
Comment: Advanced modeling of protein sequence and biophysical properties (such as structural, functional, and spatial information, amino acid conservation, physicochemical variation, residue mobility, and thermodynamic stability) performed at Invitae indicates that this missense variant is not expected to disrupt ANKRD11 protein function. In summary, the available evidence is currently insufficient to determine the role of this variant in disease. Therefore, it has been classified as a Variant of Uncertain Significance. This variant has not been reported in the literature in individuals affected with ANKRD11-related conditions. This variant is present in population databases (rs562106468, gnomAD 0.01%). This sequence change replaces glutamine, which is neutral and polar, with histidine, which is basic and polar, at codon 822 of the ANKRD11 protein (p.Gln822His).